The following is an entry in ClinVar:

ClinVar aggregate classification (germline): Uncertain significance. Review status: criteria provided, multiple submitters, no conflicts (2 of 4 stars). 4 submissions from 4 submitters: Uncertain significance (4). Last evaluated 2024-01-16.

Conditions:
Inborn genetic diseases. Identifiers: MedGen C0950123, MeSH D030342.

Allele frequency attached by ClinVar (database versions not stated): ESP Exome Variant Server 0.00023.
gnomAD v4.1: 103 of 1,612,178 alleles (0.0064%); highest among the groups gnomAD compares: African/African-American, 0.11%; no homozygotes.

Submissions (4):

Ambry Genetics
Classification: Uncertain significance for Inborn genetic diseases. Last evaluated: 2024-01-16. Review status: criteria provided, single submitter. Criteria: Ambry Variant Classification Scheme 2023. Collection method: clinical testing. Allele origin: germline.

Mayo Clinic Laboratories, Mayo Clinic
Classification: Uncertain significance. Last evaluated: 2023-09-20. Review status: criteria provided, single submitter. Criteria: ACMG Guidelines, 2015. Collection method: clinical testing. Allele origin: germline. Observed: 1 variant allele.

GeneDx
Classification: Uncertain significance. Last evaluated: 2023-07-17. Review status: criteria provided, single submitter. Criteria: GeneDx Variant Classification Process June 2021. Collection method: clinical testing. Allele origin: germline. Affected: yes.
Comment: In silico analysis supports that this missense variant has a deleterious effect on protein structure/function; Has not been previously published as pathogenic or benign to our knowledge

Labcorp Genetics (formerly Invitae), Labcorp
Classification: Uncertain significance. Last evaluated: 2022-07-31. Review status: criteria provided, single submitter. Criteria: Invitae Variant Classification Sherloc (09022015). Collection method: clinical testing. Allele origin: germline.
Comment: This sequence change replaces arginine, which is basic and polar, with leucine, which is neutral and non-polar, at codon 1261 of the MCM3AP protein (p.Arg1261Leu). This variant is present in population databases (rs150680624, gnomAD 0.09%). This variant has not been reported in the literature in individuals affected with MCM3AP-related conditions. Algorithms developed to predict the effect of missense changes on protein structure and function (SIFT, PolyPhen-2, Align-GVGD) all suggest that this variant is likely to be disruptive. In summary, the available evidence is currently insufficient to determine the role of this variant in disease. Therefore, it has been classified as a Variant of Uncertain Significance.

NM_003906.5(MCM3AP):c.3782G>T (p.Arg1261Leu)

Gene: MCM3AP (minichromosome maintenance complex component 3 associated protein; minus strand). Cytogenetic location: 21q22.3.
Variant type: single nucleotide variant.
Coding change: c.3782G>T on transcript NM_003906.5 (MANE Select); coding-DNA position 3782, G replaced by T.
Protein change: p.Arg1261Leu; replaces arginine 1261 with leucine.
Molecular consequence: missense variant.
Genome position (GRCh38, 1-based): chr21:46,256,939, C>A on the plus strand (G>T on the coding strand, the complement: MCM3AP is on the minus strand). VCF-style: chr21-46256939-C-A. GRCh37 (hg19) VCF-style: chr21-47676853-C-A.
Other names: p.Arg1261Leu; c.3782G>T (NM_003906.3, NM_003906.4); short protein forms R1261L.
Identifiers: ClinVar variation 2067324 (VCV002067324.4), dbSNP rs150680624, ClinGen allele CA10076371.
Genomic context (GRCh38, chr21:46,256,939, plus strand): 5'-GGCGCCAGCGCCCTCAGCCGGTCGCTCACGTCCACGCAGCAGGGCGCAGCAGGGAAAGCC[C>A]GCATTTGGCGCCTCAGTTTCTTGCGGGCTGTGACAGCTTCCCTCCACCTGGGGACATGAA-3'
Protein context (NP_003897.2, residues 1251-1271): TARKKLRRQM[Arg1261Leu]AFPAAPCCVD